The following is an entry in ClinVar:

NM_032221.5(CHD6):c.5882_5895del (p.Lys1961fs)

Gene: CHD6 (chromodomain helicase DNA binding protein 6; minus strand). Cytogenetic location: 20q12.
Variant type: Deletion.
Coding change: c.5882_5895del on transcript NM_032221.5 (MANE Select); coding-DNA positions 5882 to 5895, 14 bases deleted (AGGCTTATATCCCA).
Protein change: p.Lys1961fs; shifts the reading frame from lysine 1961.
Molecular consequence: frameshift variant.
Genome position (GRCh38, 1-based): chr20:41,420,740-41,420,753, TGGGATATAAGCCT deleted on the plus strand (AGGCTTATATCCCA on the coding strand, the reverse complement: CHD6 is on the minus strand); deleting any 14 consecutive bases within chr20:41,420,740-41,420,757 gives the same sequence; the c. name uses the placement nearest the transcript's 3' end. VCF-style (leftmost placement, unchanged base first): chr20-41420739-CTGGGATATAAGCCT-C. GRCh37 (hg19) VCF-style: chr20-40049379-CTGGGATATAAGCCT-C.
Other names: short protein forms K1961fs.
Identifiers: ClinVar variation 1334761 (VCV001334761.4), dbSNP rs2145462164, ClinGen allele CA2573054867.

ClinVar aggregate classification (germline): Uncertain significance (0 of 4 stars; one submission).

Submission:

Greenwood Genetic Center Diagnostic Laboratories, Greenwood Genetic Center
Classification: Uncertain significance. Last evaluated: 2021-05-24. Review status: no assertion criteria provided. Collection method: clinical testing. Allele origin: germline. Affected: yes.
Comment: Gene of uncertain significance